The following is an entry in ClinVar:

ClinVar aggregate classification (germline): Uncertain significance (1 of 4 stars; one submission).

Allele frequency attached by ClinVar (database versions not stated): TOPMed 0.00005; gnomAD exomes 0.00011; ExAC 0.00019; 1000 Genomes Project 30x 0.00078; 1000 Genomes Project 0.00100.
gnomAD v4.1: 442 of 1,555,848 alleles (0.028%); highest among the groups gnomAD compares: East Asian, 0.98%; 6 homozygotes.

Submission:

Labcorp Genetics (formerly Invitae), Labcorp
Classification: Uncertain significance. Last evaluated: 2026-01-18. Review status: criteria provided, single submitter. Criteria: Invitae Variant Classification Sherloc (09022015). Collection method: clinical testing. Allele origin: germline.
Comment: This sequence change replaces aspartic acid, which is acidic and polar, with histidine, which is basic and polar, at codon 1144 of the ERBB2 protein (p.Asp1144His). This variant is present in population databases (rs138611862, gnomAD 0.2%), and has an allele count higher than expected for a pathogenic variant. This missense change has been observed in individual(s) with HER2 positive breast cancer (PMID: 29072371). ClinVar contains an entry for this variant (Variation ID: 1041144). An algorithm developed to predict the effect of missense changes on protein structure and function (PolyPhen-2) suggests that this variant is likely to be tolerated. In summary, the available evidence is currently insufficient to determine the role of this variant in disease. Therefore, it has been classified as a Variant of Uncertain Significance.

Literature cited by the submitters: PubMed 29072371.

NM_004448.4(ERBB2):c.3430G>C (p.Asp1144His)

Gene: ERBB2 (erb-b2 receptor tyrosine kinase 2; plus strand). Cytogenetic location: 17q12.
Variant type: single nucleotide variant.
Coding change: c.3430G>C on transcript NM_004448.4 (MANE Select); coding-DNA position 3430, G replaced by C.
Protein change: p.Asp1144His; replaces aspartic acid 1144 with histidine.
Molecular consequence: missense variant. On other transcripts: 3 prime UTR variant (2), non-coding transcript variant (1).
Genome position (GRCh38, 1-based): chr17:39,727,706, G>C. VCF-style: chr17-39727706-G-C. GRCh37 (hg19) VCF-style: chr17-37883959-G-C.
Other names: c.3340G>C, p.Asp1114His (NM_001005862.3, NM_001382782.1, NM_001382783.1); c.3385G>C, p.Asp1129His (NM_001289936.2); c.*9G>C (NM_001289937.2, NM_001382803.1); c.3547G>C, p.Asp1183His (NM_001382784.1); c.3532G>C, p.Asp1178His (NM_001382785.1); c.3511G>C, p.Asp1171His (NM_001382786.1); c.3505G>C, p.Asp1169His (NM_001382787.1); c.3460G>C, p.Asp1154His (NM_001382788.1); and 16 more; short protein forms D1111H, D1129H, D1130H, D1141H, D1154H, D868H, D1058H, D1076H.
Identifiers: ClinVar variation 1041144 (VCV001041144.7), dbSNP rs138611862, ClinGen allele CA8534559.
Genomic context (GRCh38, chr17:39,727,706, plus strand): 5'-GGGGTTCCTTCCCCTAATGGGTCACCTTCTCTTGACCTTTCAGAATATGTGAACCAGCCA[G>C]ATGTTCGGCCCCAGCCCCCTTCGCCCCGAGAGGGCCCTCTGCCTGCTGCCCGACCTGCTG-3'
Protein context (NP_004439.2, residues 1134-1154): SPQPEYVNQP[Asp1144His]VRPQPPSPRE